The following is an entry in ClinVar:

ClinVar aggregate classification (germline): Pathogenic (1 of 4 stars; one submission).

Conditions:
Microcephaly, seizures, and developmental delay. Identifiers: Orphanet 1934, MedGen C3150667, MONDO:0013254, OMIM 613402.

Submission:

Victorian Clinical Genetics Services, Murdoch Childrens Research Institute
Classification: Pathogenic for Microcephaly, seizures, and developmental delay. Last evaluated: 2021-05-06. Review status: criteria provided, single submitter. Criteria: ACMG Guidelines, 2015. Collection method: clinical testing. Allele origin: germline. Inheritance: Autosomal recessive inheritance. Affected: yes.
Comment: Based on the classification scheme VCGS_Germline_v1.3.3, this variant is classified as Pathogenic. Following criteria are met: 0102 - Loss of function is a known mechanism of disease in this gene and is associated with ataxia-oculomotor apraxia 4 (MIM#616267), and microcephaly, seizures, and developmental delay (MIM#613402). (I) 0106 - This gene is associated with autosomal recessive disease. (I) 0205 - Variant is predicted to result in a truncated protein (premature termination codon is NOT located at least 54 nucleotides upstream of the final exon-exon junction) with less than 1/3 of the protein sequence affected. (SP) 0251 - This variant is heterozygous. (I) 0301 - Variant is absent from gnomAD (both v2 and v3). (SP) 0600 - Variant results in the loss of part of the annotated AAA domain (PDB). (I) 0701 - Other truncating variants comparable to the one identified in this case have very strong previous evidence for pathogenicity. These variants have been reported in homozygous and compound heterozygous patients with either ataxia oculomotor apraxia, Charcot-Marie-Tooth-like disease or microcephaly with seizures and developmental delay (ClinVar, PMID: 31436889). (SP) 0807 - This variant has no previous evidence of pathogenicity. (I) 0905 - No published segregation evidence has been identified for this variant. (I) 1007 - No published functional evidence has been identified for this variant. (I) 1102 - Strong phenotype match for this individual. (SP) 1201 - Heterozygous variant detected in trans with a second pathogenic heterozygous variant (p.(Thr424Glyfs*49)) in a recessive disease. (I) Legend: (SP) - Supporting pathogenic, (I) - Information, (SB) - Supporting benign

Literature cited by the submitters: PubMed 31436889.

NM_007254.4(PNKP):c.1286_1287insTAAGC (p.Ser430fs)

Gene: PNKP (polynucleotide kinase 3'-phosphatase; minus strand). Cytogenetic location: 19q13.33.
Variant type: Insertion.
Coding change: c.1286_1287insTAAGC on transcript NM_007254.4 (MANE Select); coding-DNA positions 1286 to 1287, TAAGC inserted.
Protein change: p.Ser430fs; shifts the reading frame from serine 430.
Molecular consequence: frameshift variant.
Genome position: GRCh38 VCF-style: chr19-49861783-C-CGCTTA. GRCh37 (hg19) VCF-style: chr19-50365040-C-CGCTTA.
Other names: short protein forms S430fs.
Identifiers: ClinVar variation 1806352 (VCV001806352.1), dbSNP rs2514633587, ClinGen allele CA1139771264.